The following is an entry in ClinVar:

NM_012388.4(BLOC1S6):c.257A>G (p.Glu86Gly)

Gene: BLOC1S6 (biogenesis of lysosomal organelles complex 1 subunit 6; plus strand). Cytogenetic location: 15q21.1.
Variant type: single nucleotide variant.
Coding change: c.257A>G on transcript NM_012388.4 (MANE Select); coding-DNA position 257, A replaced by G.
Protein change: p.Glu86Gly; replaces glutamic acid 86 with glycine.
Molecular consequence: missense variant. On other transcripts: non-coding transcript variant (6), intron variant (1).
Genome position (GRCh38, 1-based): chr15:45,603,132, A>G. VCF-style: chr15-45603132-A-G. GRCh37 (hg19) VCF-style: chr15-45895330-A-G.
Other names: c.272A>G, p.Glu91Gly (NM_001311255.1); c.240-2296A>G (NM_001311256.1); short protein forms E86G, E91G.
Identifiers: ClinVar variation 1352928 (VCV001352928.5), dbSNP rs2140916217, ClinGen allele CA392300376.
Genomic context (GRCh38, chr15:45,603,132, plus strand): 5'-TTGTCTTGGCTGTGTGTTTTTGTTTCAGACAGAACCAAGTTGTATTGTTAGACACACTGG[A>G]ACAAGAGATTTCAAAATTTAAAGAATGTCATTCTATGTTGGATATTAATGCTTTGGTAAG-3'
Protein context (NP_036520.1, residues 76-96): QNQVVLLDTL[Glu86Gly]QEISKFKECH

ClinVar aggregate classification (germline): Uncertain significance (1 of 4 stars; one submission).

Conditions:
Hermansky-Pudlak syndrome 9 (HPS9). Identifiers: Orphanet 280663, Orphanet 79430, MedGen C3280026, MONDO:0013606, OMIM 614171.

Allele frequency attached by ClinVar (database versions not stated): gnomAD exomes below 0.00001.

Submission:

Labcorp Genetics (formerly Invitae), Labcorp
Classification: Uncertain significance for Hermansky-Pudlak syndrome 9. Last evaluated: 2021-08-28. Review status: criteria provided, single submitter. Criteria: Invitae Variant Classification Sherloc (09022015). Collection method: clinical testing. Allele origin: germline.
Comment: This sequence change replaces glutamic acid with glycine at codon 86 of the BLOC1S6 protein (p.Glu86Gly). The glutamic acid residue is highly conserved and there is a moderate physicochemical difference between glutamic acid and glycine. This variant is not present in population databases (ExAC no frequency). This variant has not been reported in the literature in individuals affected with BLOC1S6-related conditions. Algorithms developed to predict the effect of missense changes on protein structure and function are either unavailable or do not agree on the potential impact of this missense change (SIFT: "Deleterious"; PolyPhen-2: "Possibly Damaging"; Align-GVGD: "Class C15"). In summary, the available evidence is currently insufficient to determine the role of this variant in disease. Therefore, it has been classified as a Variant of Uncertain Significance.